The following is an entry in ClinVar:

NM_000243.3(MEFV):c.*475A>G

Gene: MEFV (MEFV innate immunity regulator, pyrin; minus strand). Cytogenetic location: 16p13.3.
Variant type: single nucleotide variant.
Coding change: c.*475A>G on transcript NM_000243.3 (MANE Select); 475 bases downstream of the stop codon, A replaced by G.
Molecular consequence: 3 prime UTR variant.
Genome position (GRCh38, 1-based): chr16:3,242,666, T>C on the plus strand (A>G on the coding strand, the complement: MEFV is on the minus strand). VCF-style: chr16-3242666-T-C. GRCh37 (hg19) VCF-style: chr16-3292666-T-C.
Other names: c.*1025A>G (NM_001198536.2).
Identifiers: ClinVar variation 319098 (VCV000319098.6), dbSNP rs11466052, ClinGen allele CA10643546.

ClinVar aggregate classification (germline): Benign. Review status: criteria provided, multiple submitters, no conflicts (2 of 4 stars). 2 submissions from 2 submitters: Benign (2). Last evaluated 2018-01-12.

Conditions:
Familial Mediterranean fever (FMF). Also called: Periodic peritonitis; Benign paroxysmal peritonitis; POLYSEROSITIS, FAMILIAL PAROXYSMAL; POLYSEROSITIS, RECURRENT. Identifiers: Orphanet 342, MedGen C0031069, MONDO:0018088, OMIM 249100. Disease mechanism: gain of function.

Allele frequency attached by ClinVar (database versions not stated): gnomAD 0.59858 and 0.59188; TOPMed 0.60413; 1000 Genomes Project 0.65136; 1000 Genomes Project 30x 0.65412.

Submissions (2):

Illumina Laboratory Services, Illumina
Classification: Benign for Familial Mediterranean fever. Last evaluated: 2018-01-12. Review status: criteria provided, single submitter. Criteria: ICSL Variant Classification Criteria 13 December 2019. Collection method: clinical testing. Allele origin: germline.
Comment: This variant was observed in the ICSL laboratory as part of a predisposition screen in an ostensibly healthy population. It had not been previously curated by ICSL or reported in the Human Gene Mutation Database (HGMD: prior to June 1st, 2018), and was therefore a candidate for classification through an automated scoring system. Utilizing variant allele frequency, disease prevalence and penetrance estimates, and inheritance mode, an automated score was calculated to assess if this variant is too frequent to cause the disease. Based on the score and internal cut-off values, a variant classified as benign is not then subjected to further curation. The score for this variant resulted in a classification of benign for this disease.

Breakthrough Genomics
Classification: Benign. Review status: criteria provided, single submitter. Criteria: ACMG Guidelines, 2015. Collection method: not provided. Allele origin: germline. Inheritance: Autosomal recessive inheritance. Affected: yes.